The following is an entry in ClinVar:

NM_004168.4(SDHA):c.1977A>G (p.Pro659=)

Gene: SDHA (succinate dehydrogenase complex flavoprotein subunit A; plus strand). Cytogenetic location: 5p15.33.
Variant type: single nucleotide variant.
Coding change: c.1977A>G on transcript NM_004168.4 (MANE Select); coding-DNA position 1977, A replaced by G.
Protein change: p.Pro659=; no amino-acid change (proline 659 retained).
Molecular consequence: synonymous variant.
Genome position (GRCh38, 1-based): chr5:256,402, A>G. VCF-style: chr5-256402-A-G. GRCh37 (hg19) VCF-style: chr5-256517-A-G.
Other names: c.1833A>G, p.Pro611= (NM_001294332.2); c.1734A>G, p.Pro578= (NM_001330758.2).
Identifiers: ClinVar variation 715129 (VCV000715129.19), dbSNP rs768693502, ClinGen allele CA3173478.
Genomic context (GRCh38, chr5:256,402, plus strand): 5'-GGAATATAGACCCGTGATCGACAAAACTTTGAACGAGGCTGACTGTGCCACCGTCCCGCC[A>G]GCCATTCGCTCCTACTGATGAGACAAGATGTGGTGATGACAGAATCAGCTTTTGTAATTA-3'
Protein context (NP_004159.2, residues 649-664): LNEADCATVP[Pro659=]AIRSY

ClinVar aggregate classification (germline): Conflicting classifications of pathogenicity. Review status: criteria provided, conflicting classifications (1 of 4 stars). 6 submissions from 4 submitters: Uncertain significance (2); Benign (2); Likely benign (2). Last evaluated 2025-08-13.

Conditions:
Pheochromocytoma/paraganglioma syndrome 5. Also called: Paragangliomas 5; SDHA-Related Hereditary Paraganglioma-Pheochromocytoma Syndrome. Identifiers: Orphanet 29072, MedGen C3279992, MONDO:0013602, OMIM 614165.
Mitochondrial complex II deficiency, nuclear type 1. Also called: SUCCINATE CoQ REDUCTASE DEFICIENCY. Identifiers: Orphanet 3208, MedGen C5700310, MONDO:0100294, OMIM 252011.
Hereditary pheochromocytoma and paraganglioma. Also called: Hereditary Paraganglioma-Pheochromocytoma Syndromes; Hereditary paragangliomas and pheochromocytomas; Hereditary pheochromocytoma-paraganglioma. Identifiers: Orphanet 29072, MedGen C4274332, MONDO:0017366.
Leigh syndrome (NULS). Also called: Leigh's syndrome; Leigh Disease; Subacute necrotizing encephalopathy; Necrotizing encephalopathy infantile subacute of Leigh; Leigh Syndrome (mtDNA deletion); LEIGH SYNDROME, NUCLEAR. Identifiers: Orphanet 506, MedGen C2931891, MONDO:0009723, OMIM 256000.
Hereditary cancer-predisposing syndrome. Also called: Tumor predisposition; Neoplastic Syndromes, Hereditary; Hereditary Cancer Syndrome; Hereditary neoplastic syndrome. Identifiers: Orphanet 140162, MedGen C0027672, MeSH D009386, MONDO:0015356.

Allele frequency attached by ClinVar (database versions not stated): gnomAD below 0.00001 and 0.00002; gnomAD exomes 0.00004 and 0.00009; ExAC 0.00008.
gnomAD v4.1: 69 of 1,613,476 alleles (0.0043%); highest among the groups gnomAD compares: South Asian, 0.071%; no homozygotes.

Submissions (6):

Labcorp Genetics (formerly Invitae), Labcorp
Classification: Likely benign for Pheochromocytoma/paraganglioma syndrome 5; Mitochondrial complex II deficiency, nuclear type 1. Last evaluated: 2025-08-13. Review status: criteria provided, single submitter. Criteria: Invitae Variant Classification Sherloc (09022015). Collection method: clinical testing. Allele origin: germline.

Myriad Genetics, Inc.
Classification: Benign for Pheochromocytoma/paraganglioma syndrome 5. Last evaluated: 2025-03-11. Review status: criteria provided, single submitter. Criteria: Myriad Autosomal Dominant, Autosomal Recessive and X-Linked Classification Criteria (2023). Collection method: clinical testing. Allele origin: unknown.
Comment: This variant is considered benign. This variant is a silent/synonymous amino acid change and it is not expected to impact splicing.

Ambry Genetics
Classification: Likely benign for Hereditary cancer-predisposing syndrome. Last evaluated: 2019-01-29. Review status: criteria provided, single submitter. Criteria: Ambry Variant Classification Scheme 2023. Collection method: clinical testing. Allele origin: germline.

Illumina Laboratory Services, Illumina
Classification: Benign for Hereditary Paraganglioma-Pheochromocytoma Syndromes. Last evaluated: 2018-01-12. Review status: criteria provided, single submitter. Criteria: ICSL Variant Classification Criteria 13 December 2019. Collection method: clinical testing. Allele origin: germline.
Comment: This variant was observed in the ICSL laboratory as part of a predisposition screen in an ostensibly healthy population. It had not been previously curated by ICSL or reported in the Human Gene Mutation Database (HGMD: prior to June 1st, 2018), and was therefore a candidate for classification through an automated scoring system. Utilizing variant allele frequency, disease prevalence and penetrance estimates, and inheritance mode, an automated score was calculated to assess if this variant is too frequent to cause the disease. Based on the score and internal cut-off values, a variant classified as benign is not then subjected to further curation. The score for this variant resulted in a classification of benign for this disease.

Illumina Laboratory Services, Illumina
Classification: Uncertain significance for Leigh syndrome. Last evaluated: 2018-01-12. Review status: criteria provided, single submitter. Criteria: ICSL Variant Classification Criteria 13 December 2019. Collection method: clinical testing. Allele origin: germline.

Illumina Laboratory Services, Illumina
Classification: Uncertain significance for Mitochondrial complex II deficiency, nuclear type 1. Last evaluated: 2018-01-12. Review status: criteria provided, single submitter. Criteria: ICSL Variant Classification Criteria 13 December 2019. Collection method: clinical testing. Allele origin: germline.